The following is an entry in ClinVar:

NM_001378454.1(ALMS1):c.3862_3863del (p.Gln1288fs)

Gene: ALMS1 (ALMS1 centrosome and basal body associated protein; plus strand). Cytogenetic location: 2p13.1.
Variant type: Microsatellite.
Coding change: c.3862_3863del on transcript NM_001378454.1 (MANE Select); coding-DNA positions 3862 to 3863, 2 bases deleted (CA; older notation c.3862_3863delCA).
Protein change: p.Gln1288fs; shifts the reading frame from glutamine 1288.
Molecular consequence: frameshift variant.
Genome position (GRCh38, 1-based): chr2:73,450,389-73,450,390, CA deleted; deleting any 2 consecutive bases within chr2:73,450,387-73,450,390 gives the same sequence; the c. name uses the placement nearest the transcript's 3' end. VCF-style (leftmost placement, unchanged base first): chr2-73450386-TCA-T. GRCh37 (hg19) VCF-style: chr2-73677513-TCA-T.
Other names: c.3865_3866del, p.Gln1289fs (NM_015120.4); short protein forms Q1288fs, Q1289fs.
Identifiers: ClinVar variation 4815783 (VCV004815783.1).
Genomic context (GRCh38, chr2:73,450,386, plus strand): 5'-GTTGCCTCTGAACCAGTTGACCAGACAACTGGCACACCAGCTGTAACCTCTACTTCCTAC[TCA>T]CAATATAGAGAGAAGCCCAGCATTTTCTACCAACAGTCGTTGCCAAGTAGTCATCTAACT-3'

ClinVar aggregate classification (germline): Likely pathogenic (1 of 4 stars; one submission).

Conditions:
Alstrom syndrome (ALMS). Identifiers: Orphanet 64, MedGen C0268425, MONDO:0008763, OMIM 203800.

Submission:

Natera, Inc.
Classification: Likely pathogenic for Alstrom syndrome. Last evaluated: 2024-05-09. Review status: criteria provided, single submitter. Criteria: Natera Variant Classification Schema (03/2026). Collection method: clinical testing. Allele origin: germline.
Comment: The c.3865_3866del variant in ALMS1 is a frameshift variant predicted to shift the reading frame beginning at codon 1289 and leads to a stop codon 2 codons downstream. This variant is expected to result in nonsense mediated decay, truncation, or a dysfunctional protein product. This variant is rare in the general population with a frequency below the threshold expected for the associated phenotype(s). Given the available evidence, this variant is classified as Likely Pathogenic.